The following is an entry in ClinVar:

ClinVar aggregate classification (germline): Uncertain significance (1 of 4 stars; one submission).

Conditions:
Optic atrophy 3 (OPA3). Also called: OPTIC ATROPHY 3, AUTOSOMAL DOMINANT; Optic atrophy, cataract, and neurologic disorder; Optic atrophy 3 with cataract. Identifiers: Orphanet 67036, MedGen C1833809, MONDO:0008133, OMIM 165300.
3-Methylglutaconic aciduria type 3 (MGCA3). Also called: OPA3, AUTOSOMAL RECESSIVE; OPTIC ATROPHY 3, AUTOSOMAL RECESSIVE; OPA3-Related 3-Methylglutaconic Aciduria; Costeff Syndrome. Identifiers: Orphanet 67047, MedGen C0574084, MONDO:0009787, OMIM 258501.

Submission:

Labcorp Genetics (formerly Invitae), Labcorp
Classification: Uncertain significance for 3-Methylglutaconic aciduria type 3; Optic atrophy 3. Last evaluated: 2025-02-13. Review status: criteria provided, single submitter. Criteria: Invitae Variant Classification Sherloc (09022015). Collection method: clinical testing. Allele origin: germline.
Comment: This sequence change replaces arginine, which is basic and polar, with glutamine, which is neutral and polar, at codon 55 of the OPA3 protein (p.Arg55Gln). This variant is not present in population databases (gnomAD no frequency). This variant has not been reported in the literature in individuals affected with OPA3-related conditions. An algorithm developed to predict the effect of missense changes on protein structure and function (PolyPhen-2) suggests that this variant is likely to be disruptive. In summary, the available evidence is currently insufficient to determine the role of this variant in disease. Therefore, it has been classified as a Variant of Uncertain Significance.

NM_025136.4(OPA3):c.164G>A (p.Arg55Gln)

Genes: OPA3-RTN2 (OPA3-RTN2 readthrough; minus strand), OPA3 (outer mitochondrial membrane lipid metabolism regulator OPA3; minus strand). Cytogenetic location: 19q13.32.
Variant type: single nucleotide variant.
Coding change: c.164G>A on transcript NM_025136.4 (MANE Select); coding-DNA position 164, G replaced by A.
Protein change: p.Arg55Gln; replaces arginine 55 with glutamine.
Molecular consequence: missense variant. On other transcripts: intron variant (1).
Genome position (GRCh38, 1-based): chr19:45,553,890, C>T on the plus strand (G>A on the coding strand, the complement: OPA3 is on the minus strand). VCF-style: chr19-45553890-C-T. GRCh37 (hg19) VCF-style: chr19-46057148-C-T.
Other names: c.143-24434G>A (NM_001017989.3); short protein forms R55Q.
Identifiers: ClinVar variation 3760121 (VCV003760121.2).